The following is an entry in ClinVar:

ClinVar aggregate classification (germline): Uncertain significance (1 of 4 stars; one submission).

Conditions:
Nemaline myopathy 2 (NEM2). Also called: Nemaline myopathy 2, autosomal recessive. Identifiers: MedGen C1850569, MONDO:0009725, OMIM 256030.

Allele frequency attached by ClinVar (database versions not stated): gnomAD exomes below 0.00001.
gnomAD v4.1: 3 of 1,602,678 alleles (0.00019%); highest among the groups gnomAD compares: Admixed American, 0.005%; no homozygotes.

Submission:

Labcorp Genetics (formerly Invitae), Labcorp
Classification: Uncertain significance for Nemaline myopathy 2. Last evaluated: 2022-07-15. Review status: criteria provided, single submitter. Criteria: Invitae Variant Classification Sherloc (09022015). Collection method: clinical testing. Allele origin: germline.
Comment: This sequence change replaces aspartic acid, which is acidic and polar, with valine, which is neutral and non-polar, at codon 2305 of the NEB protein (p.Asp2305Val). This variant is not present in population databases (gnomAD no frequency). This variant has not been reported in the literature in individuals affected with NEB-related conditions. Algorithms developed to predict the effect of missense changes on protein structure and function are either unavailable or do not agree on the potential impact of this missense change (SIFT: "Deleterious"; PolyPhen-2: "Not Available"; Align-GVGD: "Class C0"). Algorithms developed to predict the effect of sequence changes on RNA splicing suggest that this variant may disrupt the consensus splice site. In summary, the available evidence is currently insufficient to determine the role of this variant in disease. Therefore, it has been classified as a Variant of Uncertain Significance.

NM_001164508.2(NEB):c.6914A>T (p.Asp2305Val)

Gene: NEB (nebulin; minus strand). Cytogenetic location: 2q23.3.
Variant type: single nucleotide variant.
Coding change: c.6914A>T on transcript NM_001164508.2 (MANE Select); coding-DNA position 6914, A replaced by T.
Protein change: p.Asp2305Val; replaces aspartic acid 2305 with valine.
Molecular consequence: missense variant.
Genome position (GRCh38, 1-based): chr2:151,653,993, T>A on the plus strand (A>T on the coding strand, the complement: NEB is on the minus strand). VCF-style: chr2-151653993-T-A. GRCh37 (hg19) VCF-style: chr2-152510507-T-A.
Other names: c.6914A>T, p.Asp2305Val (NM_001164507.2, NM_001271208.2, NM_004543.5); short protein forms D2305V.
Identifiers: ClinVar variation 1964798 (VCV001964798.2), dbSNP rs2552251117, ClinGen allele CA348793100.